The following is an entry in ClinVar:

ClinVar aggregate classification (germline): Benign/Likely benign. Review status: criteria provided, multiple submitters, no conflicts (2 of 4 stars). 5 submissions from 5 submitters: Benign (1); Likely benign (4). Last evaluated 2025-12-28.

Conditions:
Birt-Hogg-Dube syndrome. Also called: Birt Hogg Dubé syndrome. Identifiers: Orphanet 122, MedGen C0346010, MONDO:0800444.
Hereditary cancer-predisposing syndrome. Also called: Neoplastic Syndromes, Hereditary; Tumor predisposition; Hereditary neoplastic syndrome; Hereditary Cancer Syndrome. Identifiers: Orphanet 140162, MedGen C0027672, MeSH D009386, MONDO:0015356.
Birt-Hogg-Dube syndrome 1 (BHD1). Also called: FIBROFOLLICULOMAS WITH TRICHODISCOMAS AND ACROCHORDONS. Identifiers: Orphanet 122, MedGen CN375946, MONDO:0800445, OMIM 135150.

Allele frequency attached by ClinVar (database versions not stated): gnomAD exomes below 0.00001.

Submissions (5):

Labcorp Genetics (formerly Invitae), Labcorp
Classification: Likely benign for Birt-Hogg-Dube syndrome. Last evaluated: 2025-12-28. Review status: criteria provided, single submitter. Criteria: Invitae Variant Classification Sherloc (09022015). Collection method: clinical testing. Allele origin: germline.

Center for Genomic Medicine, Rigshospitalet, Copenhagen University Hospital
Classification: Likely benign. Last evaluated: 2025-03-04. Review status: criteria provided, single submitter. Criteria: ACMG Guidelines, 2015. Collection method: clinical testing. Allele origin: germline.

Myriad Genetics, Inc.
Classification: Benign for Birt-Hogg-Dube syndrome 1. Last evaluated: 2024-10-23. Review status: criteria provided, single submitter. Criteria: Myriad Autosomal Dominant, Autosomal Recessive and X-Linked Classification Criteria (2023). Collection method: clinical testing. Allele origin: unknown.
Comment: This variant is considered benign. This variant is a silent/synonymous amino acid change and it is not expected to impact splicing.

Quest Diagnostics Nichols Institute San Juan Capistrano
Classification: Likely benign. Last evaluated: 2022-10-03. Review status: criteria provided, single submitter. Criteria: Quest Diagnostics criteria. Collection method: clinical testing. Allele origin: unknown.

Ambry Genetics
Classification: Likely benign for Hereditary cancer-predisposing syndrome. Last evaluated: 2019-05-19. Review status: criteria provided, single submitter. Criteria: Ambry Variant Classification Scheme 2023. Collection method: clinical testing. Allele origin: germline.

NM_144997.7(FLCN):c.942A>G (p.Pro314=)

Gene: FLCN (folliculin; minus strand). Cytogenetic location: 17p11.2.
Variant type: single nucleotide variant.
Coding change: c.942A>G on transcript NM_144997.7 (MANE Select); coding-DNA position 942, A replaced by G.
Protein change: p.Pro314=; no amino-acid change (proline 314 retained).
Molecular consequence: synonymous variant.
Genome position (GRCh38, 1-based): chr17:17,219,139, T>C on the plus strand (A>G on the coding strand, the complement: FLCN is on the minus strand). VCF-style: chr17-17219139-T-C. GRCh37 (hg19) VCF-style: chr17-17122453-T-C.
Other names: c.942A>G (NM_144997.6); c.996A>G, p.Pro332= (NM_001353229.2); c.942A>G, p.Pro314= (NM_001353230.2, NM_001353231.2).
Identifiers: ClinVar variation 1766918 (VCV001766918.9), dbSNP rs1461954341, ClinGen allele CA498163575.
Genomic context (GRCh38, chr17:17,219,139, plus strand): 5'-GCCTGAGAGAGAGGAGGACTCTGCCGGGCCCTGGGTCAGCTCCCGCCCTTCTGTACTCTC[T>C]GGCAACACAGGGGCTTTCTCCTCCTCTTCAGCCTCAGAGTTGTCCCAGCTTTCTGATTCC-3'
Protein context (NP_659434.2, residues 304-324): AEEEEKAPVL[Pro314=]ESTEGRELTQ